The following is an entry in ClinVar:

NM_001303052.2(MYT1L):c.1573C>T (p.Arg525Cys)

Gene: MYT1L (myelin transcription factor 1 like; minus strand). Cytogenetic location: 2p25.3.
Variant type: single nucleotide variant.
Coding change: c.1573C>T on transcript NM_001303052.2 (MANE Select); coding-DNA position 1573, C replaced by T.
Protein change: p.Arg525Cys; replaces arginine 525 with cysteine.
Molecular consequence: missense variant.
Genome position (GRCh38, 1-based): chr2:1,917,250, G>A on the plus strand (C>T on the coding strand, the complement: MYT1L is on the minus strand). VCF-style: chr2-1917250-G-A. GRCh37 (hg19) VCF-style: chr2-1921022-G-A.
Other names: c.1567C>T (NM_015025.2); c.1573C>T, p.Arg525Cys (NM_001329844.2, NM_001329845.1, NM_001329851.3); c.1567C>T, p.Arg523Cys (NM_001329846.3, NM_001329847.2, NM_001329848.1 and 3 more transcripts); short protein forms R523C, R525C.
Identifiers: ClinVar variation 1675763 (VCV001675763.41), dbSNP rs2149071722, ClinGen allele CA345701964.

ClinVar aggregate classification (germline): Conflicting classifications of pathogenicity. Review status: criteria provided, conflicting classifications (1 of 4 stars). 7 submissions from 7 submitters: Pathogenic (2); Likely pathogenic (3); Uncertain significance (2). Last evaluated 2026-04-16.

Conditions:
Intellectual developmental disorder, autosomal dominant 39. Also called: Mental retardation, autosomal dominant 39; Intellectual disability, autosomal dominant 39. Identifiers: MedGen C4225296, MONDO:0014678, OMIM 616521.
MYT1L-related disorder. Also called: MYT1L-related condition.

Submissions (7):

Institute of Medical Genetics and Applied Genomics, University Hospital Tübingen
Classification: Uncertain significance for Intellectual developmental disorder, autosomal dominant 39. Last evaluated: 2026-04-16. Review status: criteria provided, single submitter. Criteria: ACMG Guidelines, 2015. Collection method: clinical testing. Allele origin: germline. Inheritance: Autosomal dominant inheritance. Affected: yes.

Institute of Human Genetics, University of Leipzig Medical Center
Classification: Pathogenic for Intellectual developmental disorder, autosomal dominant 39. Last evaluated: 2026-03-04. Review status: criteria provided, single submitter. Criteria: ACMG Guidelines, 2015. Collection method: clinical testing. Allele origin: unknown. Inheritance: Autosomal dominant inheritance. Affected: yes.
Comment: Criteria applied: PS2_MOD,PS4_MOD,PM1,PM2,PM5_SUP,PP2,PP3

GeneDx
Classification: Pathogenic. Last evaluated: 2025-02-07. Review status: criteria provided, single submitter. Criteria: GeneDx Variant Classification Process June 2021. Collection method: clinical testing. Allele origin: germline. Affected: yes.
Comment: De novo variant with confirmed parentage in a patient in published literature from a cohort of individuals with developmental disorders; however, detailed clinical information was not provided (PMID: 33057194); Not observed at significant frequency in large population cohorts (gnomAD); In silico analysis supports that this missense variant has a deleterious effect on protein structure/function; This variant is associated with the following publications: (PMID: 35982159, 33057194)

Blueprint Genetics
Classification: Likely pathogenic for MYT1L-related disorders. Last evaluated: 2022-10-25. Review status: criteria provided, single submitter. Criteria: ACMG Guidelines, 2015. Collection method: clinical testing. Allele origin: de novo. Affected: yes. Observed: 2 variant alleles.

Mendelics
Classification: Likely pathogenic for Intellectual developmental disorder, autosomal dominant 39. Last evaluated: 2022-05-04. Review status: criteria provided, single submitter. Criteria: Mendelics Assertion Criteria 2019. Collection method: clinical testing. Allele origin: germline.

CeGaT Center for Human Genetics Tuebingen
Classification: Likely pathogenic. Last evaluated: 2022-03-01. Review status: criteria provided, single submitter. Criteria: CeGaT Center For Human Genetics Tuebingen Variant Classification Criteria Version 2. Collection method: clinical testing. Allele origin: germline. Affected: yes. Observed: 1 variant allele.
Comment: MYT1L: PM1, PM2, PS2:Moderate, PP2

Revvity Omics, Revvity
Classification: Uncertain significance for Intellectual developmental disorder, autosomal dominant 39. Last evaluated: 2020-09-26. Review status: criteria provided, single submitter. Criteria: ACMG Guidelines, 2015. Collection method: clinical testing. Allele origin: germline.